The following is an entry in ClinVar:

NM_001114753.3(ENG):c.220-225_991+123del

Gene: ENG (endoglin; minus strand). Cytogenetic location: 9q34.11.
Variant type: Deletion.
Coding change: c.220-225_991+123del on transcript NM_001114753.3 (MANE Select); 225 bases into the intron before coding-DNA position 220 through 123 bases into the intron after coding-DNA position 991, 5,376 bases deleted.
Molecular consequence: splice acceptor variant, splice donor variant. On other transcripts: initiator codon variant (1).
Genome position (GRCh38, 1-based): chr9:127,824,677-127,830,052, 5,376 bases deleted. GRCh37 (hg19): chr9:130,586,960-130,592,335.
Other names: c.220-225_991+123del (NM_000118.4, NM_001406715.1); c.-327-225_445+123del (NM_001278138.2).
Identifiers: ClinVar variation 982463 (VCV000982463.4), ClinGen allele CA1139661206.

ClinVar aggregate classification (germline): Pathogenic (1 of 4 stars; one submission).

Conditions:
Telangiectasia, hereditary hemorrhagic, type 1 (HHT1). Also called: Osler Weber Rendu syndrome type 1; ENG-Related Hereditary Hemorrhagic Telangiectasia. Identifiers: Orphanet 774, MedGen C4551861, MONDO:0008535, OMIM 187300. Disease mechanism: loss of function.

Submission:

NIHR Bioresource Rare Diseases, University of Cambridge
Classification: Pathogenic for Telangiectasia, hereditary hemorrhagic, type 1. Last evaluated: 2018-01-01. Review status: criteria provided, single submitter. Criteria: ACMG Guidelines, 2015. Collection method: research. Allele origin: unknown. Affected: yes. Observed: 1 variant allele.
Comment: PVS1+PM2+PP4

Literature cited by the submitters: PubMed 32573726.